The following is an entry in ClinVar:

ClinVar aggregate classification (germline): Uncertain significance (1 of 4 stars; one submission).

Submission:

Labcorp Genetics (formerly Invitae), Labcorp
Classification: Uncertain significance. Last evaluated: 2024-06-03. Review status: criteria provided, single submitter. Criteria: Invitae Variant Classification Sherloc (09022015). Collection method: clinical testing. Allele origin: germline.
Comment: This sequence change replaces proline, which is neutral and non-polar, with leucine, which is neutral and non-polar, at codon 173 of the AVPR2 protein (p.Pro173Leu). This variant is not present in population databases (gnomAD no frequency). This missense change has been observed in individuals with nephrogenic diabetes insipidus (PMID: 20583549; Invitae). Advanced modeling of protein sequence and biophysical properties (such as structural, functional, and spatial information, amino acid conservation, physicochemical variation, residue mobility, and thermodynamic stability) performed at Invitae indicates that this missense variant is expected to disrupt AVPR2 protein function with a positive predictive value of 80%. This variant disrupts the p.Pro173 amino acid residue in AVPR2. Other variant(s) that disrupt this residue have been observed in individuals with AVPR2-related conditions (PMID: 10820167, 20583549; Invitae), which suggests that this may be a clinically significant amino acid residue. In summary, the available evidence is currently insufficient to determine the role of this variant in disease. Therefore, it has been classified as a Variant of Uncertain Significance.

Literature cited by the submitters: PubMed 20583549; PubMed 10820167.

NM_000054.7(AVPR2):c.518C>T (p.Pro173Leu)

Gene: AVPR2 (arginine vasopressin receptor 2; plus strand). Cytogenetic location: Xq28.
Variant type: single nucleotide variant.
Coding change: c.518C>T on transcript NM_000054.7 (MANE Select); coding-DNA position 518, C replaced by T.
Protein change: p.Pro173Leu; replaces proline 173 with leucine.
Molecular consequence: missense variant. On other transcripts: non-coding transcript variant (1).
Genome position (GRCh38, 1-based): chrX:153,906,024, C>T. VCF-style: chrX-153906024-C-T. GRCh37 (hg19) VCF-style: chrX-153171478-C-T.
Other names: c.518C>T, p.Pro173Leu (NM_001146151.3); short protein forms P173L.
Identifiers: ClinVar variation 3724656 (VCV003724656.2).